The following is an entry in ClinVar:

ClinVar aggregate classification (germline): Pathogenic (1 of 4 stars; one submission).

Conditions:
Osteogenesis imperfecta type I (OI1). Also called: Lobstein's Disease; Osteogenesis imperfecta type 1; Lobstein disease; OI, TYPE I; OSTEOGENESIS IMPERFECTA TARDA; OSTEOGENESIS IMPERFECTA WITH BLUE SCLERAE. Identifiers: Orphanet 216796, Orphanet 666, MedGen C0023931, MONDO:0008146, OMIM 166200. Disease mechanism: loss of function.

Submission:

MGZ Medical Genetics Center
Classification: Pathogenic for Osteogenesis imperfecta type I. Last evaluated: 2022-02-22. Review status: criteria provided, single submitter. Criteria: ACMG Guidelines, 2015. Collection method: clinical testing. Allele origin: germline. Affected: yes. Observed: 2 variant alleles.
Comment: ACMG criteria applied: PVS1, PM2_SUP, PP4

NM_000088.4(COL1A1):c.514del (p.Thr172fs)

Gene: COL1A1 (collagen type I alpha 1 chain; minus strand). Cytogenetic location: 17q21.33.
Variant type: Deletion.
Coding change: c.514del on transcript NM_000088.4 (MANE Select); coding-DNA position 514, one base deleted (A; older notation c.514delA).
Protein change: p.Thr172fs; shifts the reading frame from threonine 172.
Molecular consequence: frameshift variant.
Genome position (GRCh38, 1-based): chr17:50,198,462, T deleted on the plus strand (A on the coding strand, the reverse complement: COL1A1 is on the minus strand); the first of 2 consecutive T bases (chr17:50,198,462-50,198,463); deleting either gives the same sequence. VCF-style (leftmost placement, unchanged base first): chr17-50198461-GT-G. GRCh37 (hg19) VCF-style: chr17-48275822-GT-G.
Other names: short protein forms T172fs.
Identifiers: ClinVar variation 1709186 (VCV001709186.2), dbSNP rs2509249796, ClinGen allele CA2580094377.
Genomic context (GRCh38, chr17:50,198,461, plus strand): 5'-TTCTGTCATCCATGCTCCCCCTGCTGGCTCACCATGGGGCCAGGCACGGAAATTCCTCCG[GT>G]TGATTTCTCATCATAGCCATAAGACAGCTGGGGAGCAAAGTTCTAGAACAAACAAGAGAA-3'